The following is an entry in ClinVar:

ClinVar aggregate classification (germline): Likely benign. Review status: criteria provided, multiple submitters, no conflicts (2 of 4 stars). 2 submissions from 2 submitters: Likely benign (2). Last evaluated 2018-06-14.

Allele frequency attached by ClinVar (database versions not stated): gnomAD exomes 0.00127; 1000 Genomes Project 0.01098; 1000 Genomes Project 30x 0.01156; gnomAD 0.01163 and 0.01254; TOPMed 0.01316.
gnomAD v4.1: 2,704 of 852,340 alleles (0.32%); highest among the groups gnomAD compares: African/African-American, 4%; 47 homozygotes.

Submissions (2):

GeneDx
Classification: Likely benign. Last evaluated: 2018-06-14. Review status: criteria provided, single submitter. Criteria: GeneDx Variant Classification (06012015). Collection method: clinical testing. Allele origin: germline. Affected: yes.
Comment: This variant is considered likely benign or benign based on one or more of the following criteria: it is a conservative change, it occurs at a poorly conserved position in the protein, it is predicted to be benign by multiple in silico algorithms, and/or has population frequency not consistent with disease.

Breakthrough Genomics
Classification: Likely benign. Review status: criteria provided, single submitter. Criteria: ACMG Guidelines, 2015. Collection method: not provided. Allele origin: germline. Inheritance: Autosomal recessive inheritance. Affected: yes.

NM_000426.4(LAMA2):c.7898+131C>T

Gene: LAMA2 (laminin subunit alpha 2; plus strand). Cytogenetic location: 6q22.33.
Variant type: single nucleotide variant.
Coding change: c.7898+131C>T on transcript NM_000426.4 (MANE Select); 131 bases into the intron after coding-DNA position 7898, C replaced by T.
Molecular consequence: intron variant.
Genome position (GRCh38, 1-based): chr6:129,486,753, C>T. VCF-style: chr6-129486753-C-T. GRCh37 (hg19) VCF-style: chr6-129807898-C-T.
Other names: c.7886+131C>T (NM_001079823.2).
Identifiers: ClinVar variation 679499 (VCV000679499.2), dbSNP rs73599270, ClinGen allele CA146914517.